The following is an entry in ClinVar:

NM_017534.6(MYH2):c.2441+4T>A

Genes: MYH2 (myosin heavy chain 2; minus strand), MYHAS (myosin heavy chain gene cluster antisense RNA; plus strand). Cytogenetic location: 17p13.1.
Variant type: single nucleotide variant.
Coding change: c.2441+4T>A on transcript NM_017534.6 (MANE Select); 4 bases into the intron after coding-DNA position 2441, T replaced by A.
Molecular consequence: intron variant.
Genome position (GRCh38, 1-based): chr17:10,533,281, A>T on the plus strand (T>A on the coding strand, the complement: MYH2 is on the minus strand). VCF-style: chr17-10533281-A-T. GRCh37 (hg19) VCF-style: chr17-10436598-A-T.
Other names: c.2441+4T>A (NM_001100112.2).
Identifiers: ClinVar variation 2975860 (VCV002975860.3), dbSNP rs1423066186, ClinGen allele CA625069142.
Genomic context (GRCh38, chr17:10,533,281, plus strand): 5'-AACTGTAAGCCATTTCAAATATGTTTTTGAAGATGGAATATGTGAATAAACATATTTTTT[A>T]TACCTTCTCTCCACCATCCTCTGGTACTCCACTCTTGCCAAGAACCCTCTGCACCTGGCC-3'

ClinVar aggregate classification (germline): Uncertain significance (1 of 4 stars; one submission).

Conditions:
Myopathy, proximal, and ophthalmoplegia (CMYO6). Also called: INCLUSION BODY MYOPATHY 3, AUTOSOMAL DOMINANT; CONGENITAL MYOPATHY 6 WITH OPHTHALMOPLEGIA; MYOPATHY WITH CONGENITAL JOINT CONTRACTURES, OPHTHALMOPLEGIA, AND RIMMED VACUOLES. Identifiers: Orphanet 363677, Orphanet 79091, MedGen C1854106, MONDO:0011577, OMIM 605637.

Allele frequency attached by ClinVar (database versions not stated): gnomAD 0.00001; TOPMed 0.00001.
gnomAD v4.1: 2 of 1,613,982 alleles (0.00012%); highest among the groups gnomAD compares: East Asian, 0.0022%; no homozygotes.

Submission:

Labcorp Genetics (formerly Invitae), Labcorp
Classification: Uncertain significance for Myopathy, proximal, and ophthalmoplegia. Last evaluated: 2023-12-06. Review status: criteria provided, single submitter. Criteria: Invitae Variant Classification Sherloc (09022015). Collection method: clinical testing. Allele origin: germline.
Comment: This sequence change falls in intron 21 of the MYH2 gene. It does not directly change the encoded amino acid sequence of the MYH2 protein. It affects a nucleotide within the consensus splice site. This variant is present in population databases (no rsID available, gnomAD 0.06%). This variant has not been reported in the literature in individuals affected with MYH2-related conditions. Variants that disrupt the consensus splice site are a relatively common cause of aberrant splicing (PMID: 17576681, 9536098). Algorithms developed to predict the effect of sequence changes on RNA splicing suggest that this variant is not likely to affect RNA splicing. In summary, the available evidence is currently insufficient to determine the role of this variant in disease. Therefore, it has been classified as a Variant of Uncertain Significance.

Literature cited by the submitters: PubMed 17576681; PubMed 9536098.